The following is an entry in ClinVar:

NM_000297.4(PKD2):c.2561G>A (p.Gly854Asp)

Gene: PKD2 (polycystin 2, transient receptor potential cation channel; plus strand). Cytogenetic location: 4q22.1.
Variant type: single nucleotide variant.
Coding change: c.2561G>A on transcript NM_000297.4 (MANE Select); coding-DNA position 2561, G replaced by A.
Protein change: p.Gly854Asp; replaces glycine 854 with aspartic acid.
Molecular consequence: missense variant. On other transcripts: non-coding transcript variant (1).
Genome position (GRCh38, 1-based): chr4:88,074,850, G>A. VCF-style: chr4-88074850-G-A. GRCh37 (hg19) VCF-style: chr4-88996002-G-A.
Other names: c.2336G>A, p.Gly779Asp (NM_001440544.1); short protein forms G854D, G779D.
Identifiers: ClinVar variation 4744582 (VCV004744582.1).

ClinVar aggregate classification (germline): Uncertain significance (1 of 4 stars; one submission).

Conditions:
Autosomal dominant polycystic kidney disease. Identifiers: Orphanet 730, MedGen C0085413, MONDO:0004691.

Submission:

Labcorp Genetics (formerly Invitae), Labcorp
Classification: Uncertain significance for Autosomal dominant polycystic kidney disease. Last evaluated: 2025-05-25. Review status: criteria provided, single submitter. Criteria: Invitae Variant Classification Sherloc (09022015). Collection method: clinical testing. Allele origin: germline.
Comment: This sequence change replaces glycine, which is neutral and non-polar, with aspartic acid, which is acidic and polar, at codon 854 of the PKD2 protein (p.Gly854Asp). This variant is not present in population databases (gnomAD no frequency). This variant has not been reported in the literature in individuals affected with PKD2-related conditions. Invitae Evidence Modeling of protein sequence and biophysical properties (such as structural, functional, and spatial information, amino acid conservation, physicochemical variation, residue mobility, and thermodynamic stability) indicates that this missense variant is not expected to disrupt PKD2 protein function with a negative predictive value of 80%. In summary, the available evidence is currently insufficient to determine the role of this variant in disease. Therefore, it has been classified as a Variant of Uncertain Significance.